The following is an entry in ClinVar:

NM_024589.3(ROGDI):c.754C>A (p.Pro252Thr)

Gene: ROGDI (rogdi atypical leucine zipper; minus strand). Cytogenetic location: 16p13.3.
Variant type: single nucleotide variant.
Coding change: c.754C>A on transcript NM_024589.3 (MANE Select); coding-DNA position 754, C replaced by A.
Protein change: p.Pro252Thr; replaces proline 252 with threonine.
Molecular consequence: missense variant. On other transcripts: non-coding transcript variant (1).
Genome position (GRCh38, 1-based): chr16:4,797,782, G>T on the plus strand (C>A on the coding strand, the complement: ROGDI is on the minus strand). VCF-style: chr16-4797782-G-T. GRCh37 (hg19) VCF-style: chr16-4847783-G-T.
Other names: short protein forms P252T.
Identifiers: ClinVar variation 2013886 (VCV002013886.4), dbSNP rs2505713837, ClinGen allele CA394648763.

ClinVar aggregate classification (germline): Uncertain significance (1 of 4 stars; one submission).

Conditions:
Amelocerebrohypohidrotic syndrome (KTZS). Also called: Kohlschutter's syndrome; EPILEPSY AND YELLOW TEETH; EPILEPSY, DEMENTIA, AND AMELOGENESIS IMPERFECTA; KOHLSCHUTTER SYNDROME. Identifiers: Orphanet 1946, MedGen C0406740, MONDO:0009185, OMIM 226750.

Submission:

Labcorp Genetics (formerly Invitae), Labcorp
Classification: Uncertain significance for Amelocerebrohypohidrotic syndrome. Last evaluated: 2022-07-05. Review status: criteria provided, single submitter. Criteria: Invitae Variant Classification Sherloc (09022015). Collection method: clinical testing. Allele origin: germline.
Comment: In summary, the available evidence is currently insufficient to determine the role of this variant in disease. Therefore, it has been classified as a Variant of Uncertain Significance. Algorithms developed to predict the effect of missense changes on protein structure and function are either unavailable or do not agree on the potential impact of this missense change (SIFT: "Deleterious"; PolyPhen-2: "Probably Damaging"; Align-GVGD: "Class C0"). This variant has not been reported in the literature in individuals affected with ROGDI-related conditions. This variant is not present in population databases (gnomAD no frequency). This sequence change replaces proline, which is neutral and non-polar, with threonine, which is neutral and polar, at codon 252 of the ROGDI protein (p.Pro252Thr).